The following is an entry in ClinVar:

ClinVar aggregate classification (germline): Pathogenic (1 of 4 stars; one submission).

Conditions:
Neurofibromatosis, type 1 (NF1). Also called: Peripheral type neurofibromatosis; Neurofibromatosis, type I; NEUROFIBROMATOSIS, TYPE I, SOMATIC; VON RECKLINGHAUSEN DISEASE. Identifiers: Orphanet 636, MedGen C0027831, MONDO:0018975, OMIM 162200. Disease mechanism: loss of function.

Submission:

Labcorp Genetics (formerly Invitae), Labcorp
Classification: Pathogenic for Neurofibromatosis, type 1. Last evaluated: 2024-05-15. Review status: criteria provided, single submitter. Criteria: Invitae Variant Classification Sherloc (09022015). Collection method: clinical testing. Allele origin: germline.
Comment: This sequence change creates a premature translational stop signal (p.Pro2634Serfs*5) in the NF1 gene. It is expected to result in an absent or disrupted protein product. Loss-of-function variants in NF1 are known to be pathogenic (PMID: 10712197, 23913538). This variant is not present in population databases (gnomAD no frequency). This variant has not been reported in the literature in individuals affected with NF1-related conditions. ClinVar contains an entry for this variant (Variation ID: 1368027). For these reasons, this variant has been classified as Pathogenic.

Literature cited by the submitters: PubMed 10712197; PubMed 23913538.

NM_001042492.3(NF1):c.7962dup (p.Pro2655fs)

Gene: NF1 (neurofibromin 1; plus strand). Cytogenetic location: 17q11.2.
Variant type: Duplication.
Coding change: c.7962dup on transcript NM_001042492.3 (MANE Select); coding-DNA position 7962, one base duplicated (T; older notation c.7962dupT).
Protein change: p.Pro2655fs; shifts the reading frame from proline 2655.
Molecular consequence: frameshift variant.
Genome position (GRCh38, 1-based): chr17:31,357,361, T duplicated; the last of 3 consecutive T bases (chr17:31,357,359-31,357,361); duplicating any one gives the same sequence. VCF-style (leftmost placement, unchanged base first): chr17-31357358-C-CT. GRCh37 (hg19) VCF-style: chr17-29684376-C-CT.
Other names: c.7899dup, p.Pro2634Serfs (NM_000267.4); short protein forms P2634fs, P2655fs.
Identifiers: ClinVar variation 1368027 (VCV001368027.6), dbSNP rs2151583446, ClinGen allele CA645572289.